The following is an entry in ClinVar:

NM_001080414.4(CCDC88C):c.5922T>G (p.Ser1974Arg)

Gene: CCDC88C (coiled-coil and HOOK domain protein 88C; minus strand). Cytogenetic location: 14q32.11.
Variant type: single nucleotide variant.
Coding change: c.5922T>G on transcript NM_001080414.4 (MANE Select); coding-DNA position 5922, T replaced by G.
Protein change: p.Ser1974Arg; replaces serine 1974 with arginine.
Molecular consequence: missense variant.
Genome position (GRCh38, 1-based): chr14:91,272,790, A>C on the plus strand (T>G on the coding strand, the complement: CCDC88C is on the minus strand). VCF-style: chr14-91272790-A-C. GRCh37 (hg19) VCF-style: chr14-91739134-A-C.
Other names: short protein forms S1974R.
Identifiers: ClinVar variation 2068538 (VCV002068538.4), dbSNP rs777585873, ClinGen allele CA7308559.
Genomic context (GRCh38, chr14:91,272,790, plus strand): 5'-CCGGCCGAGGTGGGGAGCCAAATCGGGAGACCGACCTGGGCTCTTGGCCGGAAGCCCCTC[A>C]CTGCAGCCCTGCCCCGGGACCCCGTCTCCCTCTGAGAGGCTGAGCCCTGCCCGGACAGGG-3'
Protein context (NP_001073883.2, residues 1964-1984): EGDGVPGQGC[Ser1974Arg]EGLPAKSPGR

ClinVar aggregate classification (germline): Uncertain significance. Review status: criteria provided, multiple submitters, no conflicts (2 of 4 stars). 3 submissions from 3 submitters: Uncertain significance (3). Last evaluated 2025-09-18.

Conditions:
Inborn genetic diseases. Identifiers: MedGen C0950123, MeSH D030342.

Allele frequency attached by ClinVar (database versions not stated): gnomAD 0.00001; TOPMed 0.00002; ExAC 0.00003; gnomAD exomes 0.00002.
gnomAD v4.1: 38 of 1,603,474 alleles (0.0024%); highest among the groups gnomAD compares: Middle Eastern, 0.033%; 1 homozygote.

Submissions (3):

Dasa
Classification: Uncertain significance. Last evaluated: 2025-09-18. Review status: criteria provided, single submitter. Criteria: DASA Assertion Criteria. Collection method: clinical testing. Allele origin: germline.
Comment: NM_001080414.4(CCDC88C):c.5922T>G (p.Ser1974Arg) is a missense variant that results in the substitution of serine with arginine. This variant is rare in population databases. Computational prediction algorithms are consistent with a benign effect. The currently available literature and clinical evidence are not sufficient to establish a definitive association between this variant and the reported condition. Therefore, this variant is classified as a variant of uncertain significance.

Labcorp Genetics (formerly Invitae), Labcorp
Classification: Uncertain significance. Last evaluated: 2022-06-27. Review status: criteria provided, single submitter. Criteria: Invitae Variant Classification Sherloc (09022015). Collection method: clinical testing. Allele origin: germline.
Comment: This sequence change replaces serine, which is neutral and polar, with arginine, which is basic and polar, at codon 1974 of the CCDC88C protein (p.Ser1974Arg). This variant is present in population databases (rs777585873, gnomAD 0.004%). This variant has not been reported in the literature in individuals affected with CCDC88C-related conditions. Algorithms developed to predict the effect of missense changes on protein structure and function output the following: SIFT: "Tolerated"; PolyPhen-2: "Benign"; Align-GVGD: "Class C0". The arginine amino acid residue is found in multiple mammalian species, which suggests that this missense change does not adversely affect protein function. In summary, the available evidence is currently insufficient to determine the role of this variant in disease. Therefore, it has been classified as a Variant of Uncertain Significance.

Ambry Genetics
Classification: Uncertain significance for Inborn genetic diseases. Last evaluated: 2021-07-13. Review status: criteria provided, single submitter. Criteria: Ambry Variant Classification Scheme 2023. Collection method: clinical testing. Allele origin: germline.